The following is an entry in ClinVar:

NM_001378457.1(DMXL2):c.7757C>T (p.Pro2586Leu)

Gene: DMXL2 (Dmx like 2; minus strand). Cytogenetic location: 15q21.2.
Variant type: single nucleotide variant.
Coding change: c.7757C>T on transcript NM_001378457.1 (MANE Select); coding-DNA position 7757, C replaced by T.
Protein change: p.Pro2586Leu; replaces proline 2586 with leucine.
Molecular consequence: missense variant. On other transcripts: non-coding transcript variant (1), intron variant (2).
Genome position (GRCh38, 1-based): chr15:51,464,726, G>A on the plus strand (C>T on the coding strand, the complement: DMXL2 is on the minus strand). VCF-style: chr15-51464726-G-A. GRCh37 (hg19) VCF-style: chr15-51756923-G-A.
Other names: c.7514C>T, p.Pro2505Leu (NM_001378464.1); c.7754C>T, p.Pro2585Leu (NM_015263.5, NM_001378458.1, NM_001378462.1); c.7521-1230C>T (NM_001378459.1); c.7606+840C>T (NM_001378463.1); c.7757C>T, p.Pro2586Leu (NM_001174116.3, NM_001378461.1); c.5846C>T, p.Pro1949Leu (NM_001174117.3); c.5735C>T, p.Pro1912Leu (NM_001378460.1); short protein forms P2505L, P2586L, P2585L, P1912L, P1949L.
Identifiers: ClinVar variation 4771288 (VCV004771288.1).

ClinVar aggregate classification (germline): Uncertain significance (1 of 4 stars; one submission).

Submission:

Labcorp Genetics (formerly Invitae), Labcorp
Classification: Uncertain significance. Last evaluated: 2025-04-19. Review status: criteria provided, single submitter. Criteria: Invitae Variant Classification Sherloc (09022015). Collection method: clinical testing. Allele origin: germline.
Comment: This sequence change replaces proline, which is neutral and non-polar, with leucine, which is neutral and non-polar, at codon 2586 of the DMXL2 protein (p.Pro2586Leu). This variant is not present in population databases (gnomAD no frequency). This variant has not been reported in the literature in individuals affected with DMXL2-related conditions. An algorithm developed to predict the effect of missense changes on protein structure and function (PolyPhen-2) suggests that this variant is likely to be disruptive. In summary, the available evidence is currently insufficient to determine the role of this variant in disease. Therefore, it has been classified as a Variant of Uncertain Significance.